The following is an entry in ClinVar:

ClinVar aggregate classification (germline): Uncertain significance. Review status: criteria provided, multiple submitters, no conflicts (2 of 4 stars). 2 submissions from 2 submitters: Uncertain significance (2). Last evaluated 2026-04-21.

Conditions:
COL11A2-related disorder. Also called: COL11A2-related condition; COL11A2-related disorders.

Submissions (2):

PreventionGenetics, part of Exact Sciences
Classification: Uncertain significance for COL11A2-related condition. Last evaluated: 2026-04-21. Review status: criteria provided, single submitter. Criteria: ACMG Guidelines, 2015. Collection method: clinical testing. Allele origin: germline.
Comment: The COL11A2 c.3154G>A variant is predicted to result in the amino acid substitution p.Glu1052Lys. To our knowledge, this variant has not been reported in the literature or in a large population database (gnomAD), indicating this variant is rare. At this time, the clinical significance of this variant is uncertain due to the absence of conclusive functional and genetic evidence.

GeneDx
Classification: Uncertain significance. Last evaluated: 2019-11-25. Review status: criteria provided, single submitter. Criteria: GeneDx Variant Classification Process June 2021. Collection method: clinical testing. Allele origin: germline. Affected: yes.
Comment: Has not been previously published as pathogenic or benign to our knowledge; Not observed in large population cohorts (Lek et al., 2016); In silico analysis, which includes protein predictors and evolutionary conservation, supports a deleterious effect

NM_080680.3(COL11A2):c.3154G>A (p.Glu1052Lys)

Gene: COL11A2 (collagen type XI alpha 2 chain; minus strand). Cytogenetic location: 6p21.32.
Variant type: single nucleotide variant.
Coding change: c.3154G>A on transcript NM_080680.3 (MANE Select); coding-DNA position 3154, G replaced by A.
Protein change: p.Glu1052Lys; replaces glutamic acid 1052 with lysine.
Molecular consequence: missense variant.
Genome position (GRCh38, 1-based): chr6:33,171,571, C>T on the plus strand (G>A on the coding strand, the complement: COL11A2 is on the minus strand). VCF-style: chr6-33171571-C-T. GRCh37 (hg19) VCF-style: chr6-33139348-C-T.
Other names: c.2833G>A, p.Glu945Lys (NM_080679.3); c.2896G>A, p.Glu966Lys (NM_080681.3); short protein forms E1052K, E945K, E966K.
Identifiers: ClinVar variation 1310483 (VCV001310483.3), dbSNP rs2150546921, ClinGen allele CA363636270.